The following is an entry in ClinVar:

ClinVar aggregate classification (germline): Uncertain significance. Review status: criteria provided, multiple submitters, no conflicts (2 of 4 stars). 2 submissions from 2 submitters: Uncertain significance (2). Last evaluated 2025-05-16.

Conditions:
Multiple endocrine neoplasia type 4. Also called: MULTIPLE ENDOCRINE NEOPLASIA, TYPE IV. Identifiers: Orphanet 276152, MedGen C1970712, MONDO:0012552, OMIM 610755.
Hereditary cancer-predisposing syndrome. Also called: Neoplastic Syndromes, Hereditary; Hereditary Cancer Syndrome; Hereditary neoplastic syndrome; Tumor predisposition. Identifiers: Orphanet 140162, MedGen C0027672, MeSH D009386, MONDO:0015356.

Submissions (2):

Ambry Genetics
Classification: Uncertain significance for Hereditary cancer-predisposing syndrome. Last evaluated: 2025-05-16. Review status: criteria provided, single submitter. Criteria: Ambry Variant Classification Scheme 2023. Collection method: clinical testing. Allele origin: germline.
Comment: The p.P11A variant (also known as c.31C>G), located in coding exon 1 of the CDKN1B gene, results from a C to G substitution at nucleotide position 31. The proline at codon 11 is replaced by alanine, an amino acid with highly similar properties. This amino acid position is highly conserved in available vertebrate species. In addition, the in silico prediction for this alteration is inconclusive. Based on the available evidence, the clinical significance of this variant remains unclear.

Labcorp Genetics (formerly Invitae), Labcorp
Classification: Uncertain significance for Multiple endocrine neoplasia type 4. Last evaluated: 2021-11-15. Review status: criteria provided, single submitter. Criteria: Invitae Variant Classification Sherloc (09022015). Collection method: clinical testing. Allele origin: germline.
Comment: This variant is not present in population databases (gnomAD no frequency). This sequence change replaces proline, which is neutral and non-polar, with alanine, which is neutral and non-polar, at codon 11 of the CDKN1B protein (p.Pro11Ala). This variant has not been reported in the literature in individuals affected with CDKN1B-related conditions. ClinVar contains an entry for this variant (Variation ID: 644305). Algorithms developed to predict the effect of missense changes on protein structure and function (SIFT, PolyPhen-2, Align-GVGD) all suggest that this variant is likely to be disruptive. In summary, the available evidence is currently insufficient to determine the role of this variant in disease. Therefore, it has been classified as a Variant of Uncertain Significance.

NM_004064.5(CDKN1B):c.31C>G (p.Pro11Ala)

Gene: CDKN1B (cyclin dependent kinase inhibitor 1B; plus strand). Cytogenetic location: 12p13.1.
Variant type: single nucleotide variant.
Coding change: c.31C>G on transcript NM_004064.5 (MANE Select); coding-DNA position 31, C replaced by G.
Protein change: p.Pro11Ala; replaces proline 11 with alanine.
Molecular consequence: missense variant.
Genome position (GRCh38, 1-based): chr12:12,717,870, C>G. VCF-style: chr12-12717870-C-G. GRCh37 (hg19) VCF-style: chr12-12870804-C-G.
Other names: c.31C>G (NM_004064.3); short protein forms P11A.
Identifiers: ClinVar variation 644305 (VCV000644305.7), dbSNP rs779193240, ClinGen allele CA383968035.